The following is an entry in ClinVar:

NM_000444.6(PHEX):c.1723G>A (p.Gly575Arg)

Genes: PHEX (phosphate regulating endopeptidase X-linked; plus strand), PTCHD1-AS (PTCHD1 and PHEX antisense RNA; minus strand). Cytogenetic location: Xp22.11.
Variant type: single nucleotide variant.
Coding change: c.1723G>A on transcript NM_000444.6 (MANE Select); coding-DNA position 1723, G replaced by A.
Protein change: p.Gly575Arg; replaces glycine 575 with arginine.
Molecular consequence: missense variant.
Genome position (GRCh38, 1-based): chrX:22,219,058, G>A. VCF-style: chrX-22219058-G-A. GRCh37 (hg19) VCF-style: chrX-22237175-G-A.
Other names: c.1723G>A, p.Gly575Arg (NM_001282754.2); short protein forms G575R.
Identifiers: ClinVar variation 430566 (VCV000430566.11), dbSNP rs1131692029, ClinGen allele CA412575758.

ClinVar aggregate classification (germline): Likely pathogenic. Review status: criteria provided, multiple submitters, no conflicts (2 of 4 stars). 2 submissions from 2 submitters: Likely pathogenic (2). Last evaluated 2024-10-11.

Submissions (2):

Labcorp Genetics (formerly Invitae), Labcorp
Classification: Likely pathogenic. Last evaluated: 2024-10-11. Review status: criteria provided, single submitter. Criteria: Invitae Variant Classification Sherloc (09022015). Collection method: clinical testing. Allele origin: germline.
Comment: This sequence change replaces glycine, which is neutral and non-polar, with arginine, which is basic and polar, at codon 575 of the PHEX protein (p.Gly575Arg). This variant is not present in population databases (gnomAD no frequency). This missense change has been observed in individual(s) with hypophosphatemic rickets (internal data). ClinVar contains an entry for this variant (Variation ID: 430566). Invitae Evidence Modeling of protein sequence and biophysical properties (such as structural, functional, and spatial information, amino acid conservation, physicochemical variation, residue mobility, and thermodynamic stability) indicates that this missense variant is expected to disrupt PHEX protein function with a positive predictive value of 95%. In summary, the currently available evidence indicates that the variant is pathogenic, but additional data are needed to prove that conclusively. Therefore, this variant has been classified as Likely Pathogenic.

GeneDx
Classification: Likely pathogenic. Last evaluated: 2016-06-23. Review status: criteria provided, single submitter. Criteria: GeneDx Variant Classification (06012015). Collection method: clinical testing. Allele origin: germline. Affected: yes.
Comment: The G575R variant has not been published as a pathogenic variant, nor has it been reported as a benign variant to our knowledge. G575R was not observed in approximately 6500 individuals of European and African American ancestry in the NHLBI Exome Sequencing Project, indicating it is not a common benign variant in these populations. It is a non-conservative amino acid substitution, which is likely to impact secondary protein structure as these residues differ in polarity, charge, size and/or other properties. This substitution occurs at a position that is conserved across species, and in silico analysis predicts this variant is probably damaging to the protein structure/function. Missense variants in nearby residues (G572D, A573D, G579R/V) have been reported in the Human Gene Mutation Database in association with X-linked hypophosphatemic rickets (Stenson et al., 2014), supporting the functional importance of this region of the protein. Therefore, this variant is likely pathogenic; however, the possibility that it is benign cannot be excluded.